The following is an entry in ClinVar:

ClinVar aggregate classification (germline): Pathogenic (1 of 4 stars; one submission).

Conditions:
Inborn genetic diseases. Identifiers: MedGen C0950123, MeSH D030342.

Submission:

Ambry Genetics
Classification: Pathogenic for Inborn genetic diseases. Last evaluated: 2023-04-27. Review status: criteria provided, single submitter. Criteria: Ambry Variant Classification Scheme 2023. Collection method: clinical testing. Allele origin: germline.
Comment: The c.1455dupA (p.G486Rfs*41) alteration, located in exon 14 (coding exon 14) of the HGSNAT gene, consists of a duplication of A at position 1455, causing a translational frameshift with a predicted alternate stop codon after 41 amino acids. This alteration is expected to result in loss of function by premature protein truncation or nonsense-mediated mRNA decay. This variant was not reported in population-based cohorts in the Genome Aggregation Database (gnomAD). Based on the available evidence, this alteration is classified as pathogenic.

NM_152419.3(HGSNAT):c.1455dup (p.Gly486fs)

Gene: HGSNAT (heparan-alpha-glucosaminide N-acetyltransferase; plus strand). Cytogenetic location: 8p11.21.
Variant type: Duplication.
Coding change: c.1455dup on transcript NM_152419.3 (MANE Select); coding-DNA position 1455, one base duplicated (A; older notation c.1455dupA).
Protein change: p.Gly486fs; shifts the reading frame from glycine 486.
Molecular consequence: frameshift variant.
Genome position (GRCh38, 1-based): chr8:43,193,834, A duplicated. VCF-style (leftmost placement, unchanged base first): chr8-43193833-T-TA. GRCh37 (hg19) VCF-style: chr8-43048976-T-TA.
Other names: c.1455dup, p.Gly486fs (NM_001363227.2); c.1263dup, p.Gly422fs (NM_001363228.2); c.591dup, p.Gly198fs (NM_001363229.2); short protein forms G198fs, G486fs, G422fs.
Identifiers: ClinVar variation 2529780 (VCV002529780.2), dbSNP rs2487096952, ClinGen allele CA2580614355.